The following is an entry in ClinVar:

NM_001025389.2(AMPD3):c.-82T>G

Gene: AMPD3 (adenosine monophosphate deaminase 3; plus strand). Cytogenetic location: 11p15.4.
Variant type: single nucleotide variant.
Coding change: c.-82T>G on transcript NM_001025389.2 (MANE Select); 82 bases upstream of the start codon, T replaced by G.
Molecular consequence: 5 prime UTR variant. On other transcripts: intron variant (2).
Genome position (GRCh38, 1-based): chr11:10,455,372, T>G. VCF-style: chr11-10455372-T-G. GRCh37 (hg19) VCF-style: chr11-10476919-T-G.
Other names: c.-278+4857T>G (NM_001172431.2); c.22+4329T>G (NM_000480.3).
Identifiers: ClinVar variation 302144 (VCV000302144.6), dbSNP rs58115104, ClinGen allele CA10629752.

ClinVar aggregate classification (germline): Benign. Review status: criteria provided, multiple submitters, no conflicts (2 of 4 stars). 2 submissions from 2 submitters: Benign (2). Last evaluated 2018-01-12.

Conditions:
Erythrocyte AMP deaminase deficiency. Identifiers: Orphanet 45, MedGen C2752073, OMIM 612874, MONDO:0020734.

Allele frequency attached by ClinVar (database versions not stated): gnomAD 0.13077 and 0.13519; 1000 Genomes Project 30x 0.10493; 1000 Genomes Project 0.10403; TOPMed 0.12906.
gnomAD v4.1: 116,470 of 985,162 alleles (12%); highest among the groups gnomAD compares: African/African-American, 18%; 7,052 homozygotes.

Submissions (2):

Illumina Laboratory Services, Illumina
Classification: Benign for Erythrocyte AMP deaminase deficiency. Last evaluated: 2018-01-12. Review status: criteria provided, single submitter. Criteria: ICSL Variant Classification Criteria 13 December 2019. Collection method: clinical testing. Allele origin: germline.
Comment: This variant was observed in the ICSL laboratory as part of a predisposition screen in an ostensibly healthy population. It had not been previously curated by ICSL or reported in the Human Gene Mutation Database (HGMD: prior to June 1st, 2018), and was therefore a candidate for classification through an automated scoring system. Utilizing variant allele frequency, disease prevalence and penetrance estimates, and inheritance mode, an automated score was calculated to assess if this variant is too frequent to cause the disease. Based on the score and internal cut-off values, a variant classified as benign is not then subjected to further curation. The score for this variant resulted in a classification of benign for this disease.

Breakthrough Genomics
Classification: Benign. Review status: criteria provided, single submitter. Criteria: ACMG Guidelines, 2015. Collection method: not provided. Allele origin: germline. Inheritance: Autosomal recessive inheritance. Affected: yes.